The following is an entry in ClinVar:

ClinVar aggregate classification (germline): Uncertain significance (1 of 4 stars; one submission).

Conditions:
Short-rib thoracic dysplasia 11 with or without polydactyly (SRTD11). Also called: SHORT-RIB THORACIC DYSPLASIA 11 WITHOUT POLYDACTYLY. Identifiers: Orphanet 474, Orphanet 93271, MedGen C3810200, MONDO:0014287, OMIM 615633.

Allele frequency attached by ClinVar (database versions not stated): ExAC 0.00002; gnomAD exomes 0.00002 and 0.00005; gnomAD 0.00016 and 0.00017; TOPMed 0.00039.
gnomAD v4.1: 111 of 1,612,094 alleles (0.0069%); highest among the groups gnomAD compares: Admixed American, 0.048%; no homozygotes.

Submissions (2):

Labcorp Genetics (formerly Invitae), Labcorp
Classification: Uncertain significance for Short-rib thoracic dysplasia 11 with or without polydactyly. Last evaluated: 2022-07-19. Review status: criteria provided, single submitter. Criteria: Invitae Variant Classification Sherloc (09022015). Collection method: clinical testing. Allele origin: germline.
Comment: This sequence change replaces glycine, which is neutral and non-polar, with arginine, which is basic and polar, at codon 331 of the WDR34 protein (p.Gly331Arg). This variant is present in population databases (rs765921383, gnomAD 0.006%). This variant has not been reported in the literature in individuals affected with WDR34-related conditions. ClinVar contains an entry for this variant (Variation ID: 1681211). Algorithms developed to predict the effect of missense changes on protein structure and function are either unavailable or do not agree on the potential impact of this missense change (SIFT: "Deleterious"; PolyPhen-2: "Benign"; Align-GVGD: "Class C65"). Algorithms developed to predict the effect of sequence changes on RNA splicing suggest that this variant may create or strengthen a splice site. In summary, the available evidence is currently insufficient to determine the role of this variant in disease. Therefore, it has been classified as a Variant of Uncertain Significance.

Dr. Peter K. Rogan Lab, Western University
No classification provided (evidence only). Condition: Clear cell carcinoma of kidney. Review status: no classification provided. Collection method: in vitro. Allele origin: not applicable. Functional consequence: retained intron. Not counted in ClinVar's aggregate classification.

NM_052844.4(DYNC2I2):c.991G>A (p.Gly331Arg)

Genes: DYNC2I2 (dynein 2 intermediate chain 2; minus strand), LOC126860772 (CDK7 strongly-dependent group 2 enhancer GRCh37_chr9:131396972-131398171; plus strand). Cytogenetic location: 9q34.11.
Variant type: single nucleotide variant.
Coding change: c.991G>A on transcript NM_052844.4 (MANE Select); coding-DNA position 991, G replaced by A.
Protein change: p.Gly331Arg; replaces glycine 331 with arginine.
Molecular consequence: missense variant.
Genome position (GRCh38, 1-based): chr9:128,634,912, C>T on the plus strand (G>A on the coding strand, the complement: DYNC2I2 is on the minus strand). VCF-style: chr9-128634912-C-T. GRCh37 (hg19) VCF-style: chr9-131397191-C-T.
Other names: short protein forms G331R.
Identifiers: ClinVar variation 1681211 (VCV001681211.4), dbSNP rs765921383, ClinGen allele CA5266369.
Genomic context (GRCh38, chr9:128,634,912, plus strand): 5'-TGAACAGCCTAGGGTCAAAGCTGGAGAAGGCCACTGCCGTGGCGCCCACCTCGGTCTCCC[C>T]GCGGGGATGCTGTGGAGAAATGGCAGCAGCAGGGTCAGAGCCAAGGGCATCAGATGGCAC-3'
Protein context (NP_443076.2, residues 321-341): RSTKLKKHPR[Gly331Arg]ETEVGATAVA